The following is an entry in ClinVar:

ClinVar aggregate classification (germline): Likely benign (1 of 4 stars; one submission).

gnomAD v4.1: 2 of 1,597,694 alleles (0.00013%); highest among the groups gnomAD compares: Non-Finnish European, 0.00017%; no homozygotes.

Submission:

CeGaT Center for Human Genetics Tuebingen
Classification: Likely benign. Last evaluated: 2026-03-01. Review status: criteria provided, single submitter. Criteria: CeGaT Center For Human Genetics Tuebingen Variant Classification Criteria Version 2. Collection method: clinical testing. Allele origin: germline. Affected: yes. Observed: 1 variant allele.
Comment: MUC3A: BP4, BP7

NM_005960.2(MUC3A):c.7932T>C (p.Ser2644=)

Gene: MUC3A (mucin 3A, cell surface associated; plus strand). Cytogenetic location: 7q22.1.
Variant type: single nucleotide variant.
Coding change: c.7932T>C on transcript NM_005960.2 (MANE Select); coding-DNA position 7932, T replaced by C.
Protein change: p.Ser2644=; no amino-acid change (serine 2644 retained).
Molecular consequence: synonymous variant.
Genome position (GRCh38, 1-based): chr7:100,959,711, T>C. VCF-style: chr7-100959711-T-C. GRCh37 (hg19) VCF-style: chr7-100551840-T-C.
Identifiers: ClinVar variation 4821726 (VCV004821726.4).
Genomic context (GRCh38, chr7:100,959,711, plus strand): 5'-GTCAACATCACAGGTTCCTATTCCTAGCACACATTCCTCCACCCTTCAAACAACTCCTTC[T>C]ACTCCCTCATTGCAAACTTCACTCACATCTACAAGTGAGTTCACTACAGAATCTTTCACT-3'
Protein context (NP_005951.1, residues 2634-2654): THSSTLQTTP[Ser2644=]TPSLQTSLTS